The following is an entry in ClinVar:

NM_002691.4(POLD1):c.1052T>A (p.Leu351Gln)

Gene: POLD1 (DNA polymerase delta 1, catalytic subunit; plus strand). Cytogenetic location: 19q13.33.
Variant type: single nucleotide variant.
Coding change: c.1052T>A on transcript NM_002691.4 (MANE Select); coding-DNA position 1052, T replaced by A.
Protein change: p.Leu351Gln; replaces leucine 351 with glutamine.
Molecular consequence: missense variant. On other transcripts: non-coding transcript variant (1).
Genome position (GRCh38, 1-based): chr19:50,403,134, T>A. VCF-style: chr19-50403134-T-A. GRCh37 (hg19) VCF-style: chr19-50906391-T-A.
Other names: c.1052T>A, p.Leu351Gln (NM_001256849.1, NM_001308632.1); short protein forms L351Q.
Identifiers: ClinVar variation 3653679 (VCV003653679.2).

ClinVar aggregate classification (germline): Uncertain significance (1 of 4 stars; one submission).

Conditions:
POLD1-related polyposis and colorectal cancer syndrome (CRCS10). Also called: Colorectal cancer 10; COLORECTAL CANCER, SUSCEPTIBILITY TO, ON CHROMOSOME 19q; Colorectal cancer, susceptibility to, 10. Identifiers: Orphanet 220460, MedGen C2675481, MONDO:0012953, OMIM 612591.

Submission:

Labcorp Genetics (formerly Invitae), Labcorp
Classification: Uncertain significance for POLD1-related polyposis and colorectal cancer syndrome. Last evaluated: 2024-05-17. Review status: criteria provided, single submitter. Criteria: Invitae Variant Classification Sherloc (09022015). Collection method: clinical testing. Allele origin: germline.
Comment: This sequence change replaces leucine, which is neutral and non-polar, with glutamine, which is neutral and polar, at codon 351 of the POLD1 protein (p.Leu351Gln). This variant is not present in population databases (gnomAD no frequency). This variant has not been reported in the literature in individuals affected with POLD1-related conditions. Advanced modeling of protein sequence and biophysical properties (such as structural, functional, and spatial information, amino acid conservation, physicochemical variation, residue mobility, and thermodynamic stability) performed at Invitae indicates that this missense variant is not expected to disrupt POLD1 protein function with a negative predictive value of 80%. In summary, the available evidence is currently insufficient to determine the role of this variant in disease. Therefore, it has been classified as a Variant of Uncertain Significance.